The following is an entry in ClinVar:

ClinVar aggregate classification (germline): Uncertain significance (1 of 4 stars; one submission).

Submission:

Labcorp Genetics (formerly Invitae), Labcorp
Classification: Uncertain significance. Last evaluated: 2025-12-06. Review status: criteria provided, single submitter. Criteria: Invitae Variant Classification Sherloc (09022015). Collection method: clinical testing. Allele origin: germline.
Comment: This sequence change affects codon 23 of the LAMTOR2 mRNA. It is a 'silent' change, meaning that it does not change the encoded amino acid sequence of the LAMTOR2 protein. It affects a nucleotide within the consensus splice site. This variant is not present in population databases (gnomAD no frequency). This variant has not been reported in the literature in individuals affected with LAMTOR2-related conditions. Algorithms developed to predict the effect of sequence changes on RNA splicing suggest that this variant is not likely to affect RNA splicing. In summary, the available evidence is currently insufficient to determine the role of this variant in disease. Therefore, it has been classified as a Variant of Uncertain Significance.

NM_014017.4(LAMTOR2):c.69G>A (p.Leu23=)

Gene: LAMTOR2 (late endosomal/lysosomal adaptor, MAPK and MTOR activator 2; plus strand). Cytogenetic location: 1q22.
Variant type: single nucleotide variant.
Coding change: c.69G>A on transcript NM_014017.4 (MANE Select); coding-DNA position 69, G replaced by A.
Protein change: p.Leu23=; no amino-acid change (leucine 23 retained).
Molecular consequence: synonymous variant.
Genome position (GRCh38, 1-based): chr1:156,055,263, G>A. VCF-style: chr1-156055263-G-A. GRCh37 (hg19) VCF-style: chr1-156025054-G-A.
Other names: c.69G>A, p.Leu23= (NM_001145264.2).
Identifiers: ClinVar variation 4732057 (VCV004732057.1).
Genomic context (GRCh38, chr1:156,055,263, plus strand): 5'-AACCCAGACGTTTTACTCCCCGCTCTGAGCACATCGCTATCCCTCCCCGCCCCTCACCAG[G>A]CTGCTGAATAACGAGGGATCACTGCTGGCCTACTCTGGTTACGGGGACACTGACGCCCGG-3'
Protein context (NP_054736.1, residues 13-33): QANTGGVQST[Leu23=]LLNNEGSLLA